The following is an entry in ClinVar:

ClinVar aggregate classification (germline): Conflicting classifications of pathogenicity. Review status: criteria provided, conflicting classifications (1 of 4 stars). 9 submissions from 9 submitters: Uncertain significance (6); Likely benign (2). 1 of the submissions does not count toward it. Last evaluated 2026-05-29.

Conditions:
Zellweger spectrum disorders (ZS). Also called: Zellweger syndrome; Zellweger Spectrum Disorder (ZSD); Zellweger Spectrum Disorder; Zellweger Spectrum. Identifiers: Orphanet 912, MedGen C0043459, MONDO:0019609.
PEX1-related disorder. Also called: PEX1-related condition.
Peroxisome biogenesis disorder 1B (PBD1B). Also called: Refsum disease, infantile form; PEROXISOME BIOGENESIS DISORDER (NEONATAL ADRENOLEUKODYSTROPHY/INFANTILE REFSUM DISEASE); INFANTILE PHYTANIC ACID STORAGE DISEASE; PEROXISOME BIOGENESIS DISORDER (NALD/IRD); ADRENOLEUKODYSTROPHY, AUTOSOMAL NEONATAL; Infantile Refsum disease. Identifiers: Orphanet 44, MedGen C0282527, MONDO:0011101, OMIM 601539.
Heimler syndrome 1 (HMLR1). Also called: PEROXISOME BIOGENESIS DISORDER 1C. Identifiers: Orphanet 3220, MedGen C4551980, OMIM 234580, MONDO:0024544.
Peroxisome biogenesis disorder 1A (Zellweger) (PBD1A). Also called: Zellweger leukodystrophy; Peroxisome biogenesis disorder 1a. Identifiers: MedGen C4721541, MONDO:0008953, OMIM 214100.
Inborn genetic diseases. Identifiers: MedGen C0950123, MeSH D030342.

Allele frequency attached by ClinVar (database versions not stated): gnomAD 0.00015 and 0.00016; TOPMed 0.00015; gnomAD exomes 0.00027; ExAC 0.00028; ESP Exome Variant Server 0.00031.
gnomAD v4.1: 365 of 1,613,318 alleles (0.023%); highest among the groups gnomAD compares: Admixed American, 0.052%; 1 homozygote.

Submissions (9):

PreventionGenetics, part of Exact Sciences
Classification: Uncertain significance for PEX1-related condition. Last evaluated: 2026-05-29. Review status: criteria provided, single submitter. Criteria: ACMG Guidelines, 2015. Collection method: clinical testing. Allele origin: germline.
Comment: The PEX1 c.2200G>A variant is predicted to result in the amino acid substitution p.Val734Ile. This variant has been reported in a cohort study of children with obesity (Sabo et al. 2017. PubMed ID: 28508493). This variant is reported in 0.076% of alleles in individuals of Latino descent in gnomAD. Although we suspect that this variant may be benign, at this time, the clinical significance of this variant is uncertain due to the absence of conclusive functional and genetic evidence.

Labcorp Genetics (formerly Invitae), Labcorp
Classification: Likely benign for Zellweger spectrum disorders. Last evaluated: 2026-01-14. Review status: criteria provided, single submitter. Criteria: Invitae Variant Classification Sherloc (09022015). Collection method: clinical testing. Allele origin: germline.

Women's Health and Genetics/Laboratory Corporation of America, LabCorp
Classification: Uncertain significance. Last evaluated: 2025-09-02. Review status: criteria provided, single submitter. Criteria: LabCorp Variant Classification Summary - May 2015. Collection method: clinical testing. Allele origin: germline.
Comment: Variant summary: PEX1 c.2200G>A (p.Val734Ile) results in a conservative amino acid change in the encoded protein sequence. Algorithms developed to predict the effect of missense changes on protein structure and function all suggest that this variant is likely to be tolerated. The variant allele was found at a frequency of 0.00027 in 251186 control chromosomes. This frequency is not significantly higher than estimated for disease-causing variants in PEX1, allowing no conclusion about variant significance. To our knowledge, no occurrence of c.2200G>A in individuals affected with PEX1-related conditions and no experimental evidence demonstrating its impact on protein function have been reported. ClinVar contains an entry for this variant (Variation ID: 971689). Based on the evidence outlined above, the variant was classified as uncertain significance.

Revvity Omics, Revvity
Classification: Uncertain significance. Last evaluated: 2024-08-30. Review status: criteria provided, single submitter. Criteria: ACMG Guidelines, 2015. Collection method: clinical testing. Allele origin: germline.

Mayo Clinic Laboratories, Mayo Clinic
Classification: Uncertain significance. Last evaluated: 2023-06-09. Review status: criteria provided, single submitter. Criteria: ACMG Guidelines, 2015. Collection method: clinical testing. Allele origin: germline. Observed: 2 variant alleles.
Comment: BP4

Fulgent Genetics
Classification: Uncertain significance for Peroxisome biogenesis disorder 1A (Zellweger); Heimler syndrome 1; Peroxisome biogenesis disorder 1B. Last evaluated: 2022-05-08. Review status: criteria provided, single submitter. Criteria: ACMG Guidelines, 2015. Collection method: clinical testing. Allele origin: unknown.

Ambry Genetics
Classification: Likely benign for Inborn genetic diseases. Last evaluated: 2021-08-18. Review status: criteria provided, single submitter. Criteria: Ambry Variant Classification Scheme 2023. Collection method: clinical testing. Allele origin: germline.

Elsea Laboratory, Baylor College of Medicine
Classification: Uncertain significance for Heimler syndrome 1; Peroxisome biogenesis disorder 1A (Zellweger); Peroxisome biogenesis disorder 1B. Last evaluated: 2020-04-01. Review status: criteria provided, single submitter. Criteria: ACMG Guidelines, 2015. Collection method: clinical testing. Allele origin: paternal. Affected: no.

Natera, Inc.
Classification: Uncertain significance for Zellweger syndrome. Last evaluated: 2018-05-04. Review status: no assertion criteria provided. Collection method: clinical testing. Allele origin: germline. Not counted in ClinVar's aggregate classification.

NM_000466.3(PEX1):c.2200G>A (p.Val734Ile)

Gene: PEX1 (peroxisomal biogenesis factor 1; minus strand). Cytogenetic location: 7q21.2.
Variant type: single nucleotide variant.
Coding change: c.2200G>A on transcript NM_000466.3 (MANE Select); coding-DNA position 2200, G replaced by A.
Protein change: p.Val734Ile; replaces valine 734 with isoleucine.
Molecular consequence: missense variant.
Genome position (GRCh38, 1-based): chr7:92,503,067, C>T on the plus strand (G>A on the coding strand, the complement: PEX1 is on the minus strand). VCF-style: chr7-92503067-C-T. GRCh37 (hg19) VCF-style: chr7-92132381-C-T.
Other names: p.Val734Ile; c.2029G>A, p.Val677Ile (NM_001282677.2); c.1576G>A, p.Val526Ile (NM_001282678.2); short protein forms V734I, V526I, V677I.
Identifiers: ClinVar variation 971689 (VCV000971689.19), dbSNP rs141510219, ClinGen allele CA4341198.